The following is an entry in ClinVar:

ClinVar aggregate classification (germline): Uncertain significance (1 of 4 stars; one submission).

Allele frequency attached by ClinVar (database versions not stated): TOPMed below 0.00001.

Submission:

Laboratorio de Genetica e Diagnostico Molecular, Hospital Israelita Albert Einstein
Classification: Uncertain significance. Last evaluated: 2021-03-29. Review status: criteria provided, single submitter. Criteria: ACMG Guidelines, 2015. Collection method: clinical testing. Allele origin: germline. Affected: yes.
Comment: ACMG classification criteria: PM2, PP3

NM_182760.4(SUMF1):c.530C>T (p.Ala177Val)

Gene: SUMF1 (sulfatase modifying factor 1; minus strand). Cytogenetic location: 3p26.1.
Variant type: single nucleotide variant.
Coding change: c.530C>T on transcript NM_182760.4 (MANE Select); coding-DNA position 530, C replaced by T.
Protein change: p.Ala177Val; replaces alanine 177 with valine.
Molecular consequence: missense variant.
Genome position (GRCh38, 1-based): chr3:4,420,136, G>A on the plus strand (C>T on the coding strand, the complement: SUMF1 is on the minus strand). VCF-style: chr3-4420136-G-A. GRCh37 (hg19) VCF-style: chr3-4461820-G-A.
Other names: c.455C>T, p.Ala152Val (NM_001164674.2); c.530C>T, p.Ala177Val (NM_001164675.2); short protein forms A152V, A177V.
Identifiers: ClinVar variation 1691014 (VCV001691014.2), dbSNP rs1701843859, ClinGen allele CA351633028.
Genomic context (GRCh38, chr3:4,420,136, plus strand): 5'-GTAGAGTCAGGCCCTTCTGGGTGTCTCCAGTTAGCGCCTTTCACAGGTAACCACCAGGGA[G>A]CAGCTGCAACCTCAAAGCAACCCAGAACAGGCTGATGTTAGCTACTAACATCAACTCTAG-3'
Protein context (NP_877437.2, residues 167-187): KTNIQQAVAA[Ala177Val]PWWLPVKGAN